The following is an entry in ClinVar:

ClinVar aggregate classification (germline): Uncertain significance. Review status: criteria provided, multiple submitters, no conflicts (2 of 4 stars). 4 submissions from 4 submitters: Uncertain significance (4). Last evaluated 2026-01-26.

Conditions:
Familial melanoma. Also called: Hereditary melanoma; Hereditary cutaneous melanoma. Identifiers: Orphanet 618, MedGen C1512419, MONDO:0018961.
Hereditary cancer-predisposing syndrome. Also called: Hereditary neoplastic syndrome; Tumor predisposition; Hereditary Cancer Syndrome; Neoplastic Syndromes, Hereditary. Identifiers: Orphanet 140162, MedGen C0027672, MeSH D009386, MONDO:0015356.

Allele frequency attached by ClinVar (database versions not stated): gnomAD 0.00001; ExAC 0.00002; TOPMed 0.00002; gnomAD exomes 0.00003.

Submissions (4):

Labcorp Genetics (formerly Invitae), Labcorp
Classification: Uncertain significance for Familial melanoma. Last evaluated: 2026-01-26. Review status: criteria provided, single submitter. Criteria: Invitae Variant Classification Sherloc (09022015). Collection method: clinical testing. Allele origin: germline.
Comment: This sequence change replaces arginine, which is basic and polar, with glutamine, which is neutral and polar, at codon 82 of the CDK4 protein (p.Arg82Gln). This variant is present in population databases (rs3211612, gnomAD 0.01%). This missense change has been observed in individual(s) with colorectal cancer (PMID: 27978560, 34326862). ClinVar contains an entry for this variant (Variation ID: 219640). Invitae Evidence Modeling of protein sequence and biophysical properties (such as structural, functional, and spatial information, amino acid conservation, physicochemical variation, residue mobility, and thermodynamic stability) indicates that this missense variant is not expected to disrupt CDK4 protein function with a negative predictive value of 95%. In summary, the available evidence is currently insufficient to determine the role of this variant in disease. Therefore, it has been classified as a Variant of Uncertain Significance.

Center for Genomic Medicine, Rigshospitalet, Copenhagen University Hospital
Classification: Uncertain significance. Last evaluated: 2025-03-04. Review status: criteria provided, single submitter. Criteria: ACMG Guidelines, 2015. Collection method: clinical testing. Allele origin: germline.

Ambry Genetics
Classification: Uncertain significance for Hereditary cancer-predisposing syndrome. Last evaluated: 2025-02-06. Review status: criteria provided, single submitter. Criteria: Ambry Variant Classification Scheme 2023. Collection method: clinical testing. Allele origin: germline.
Comment: The p.R82Q variant (also known as c.245G>A), located in coding exon 2 of the CDK4 gene, results from a G to A substitution at nucleotide position 245. The arginine at codon 82 is replaced by glutamine, an amino acid with highly similar properties. This amino acid position is well conserved in available vertebrate species. In addition, this alteration is predicted to be tolerated by in silico analysis. Based on the available evidence, the clinical significance of this variant remains unclear.

GeneDx
Classification: Uncertain significance. Last evaluated: 2023-12-22. Review status: criteria provided, single submitter. Criteria: GeneDx Variant Classification Process June 2021. Collection method: clinical testing. Allele origin: germline. Affected: yes.
Comment: In silico analysis supports that this missense variant does not alter protein structure/function; This variant is associated with the following publications: (PMID: 19139070, 30886832, 32579932, 34326862, 36243179, 27978560)

Literature cited by the submitters: PubMed 27978560 (cited by Labcorp Genetics (formerly Invitae), Labcorp); PubMed 34326862 (cited by Labcorp Genetics (formerly Invitae), Labcorp).

NM_000075.4(CDK4):c.245G>A (p.Arg82Gln)

Gene: CDK4 (cyclin dependent kinase 4; minus strand). Cytogenetic location: 12q14.1.
Variant type: single nucleotide variant.
Coding change: c.245G>A on transcript NM_000075.4 (MANE Select); coding-DNA position 245, G replaced by A.
Protein change: p.Arg82Gln; replaces arginine 82 with glutamine.
Molecular consequence: missense variant.
Genome position (GRCh38, 1-based): chr12:57,751,316, C>T on the plus strand (G>A on the coding strand, the complement: CDK4 is on the minus strand). VCF-style: chr12-57751316-C-T. GRCh37 (hg19) VCF-style: chr12-58145099-C-T.
Other names: c.245G>A (LRG_490t1); short protein forms R82Q.
Identifiers: ClinVar variation 219640 (VCV000219640.19), dbSNP rs3211612, ClinGen allele CA350306.